The following is an entry in ClinVar:

ClinVar aggregate classification (germline): Pathogenic/Likely pathogenic. Review status: criteria provided, multiple submitters, no conflicts (2 of 4 stars). 6 submissions from 6 submitters: Pathogenic (4); Likely pathogenic (2). Last evaluated 2026-01-22.
ClinVar aggregate classification (somatic clinical impact): Tier I - Strong (1 of 4 stars; one submission).

Conditions:
Cafe-au-lait spot. Also called: café-au-lait spots; Café au Lait; Café-au-lait spot. Identifiers: MedGen C0221263, HP:0000957.
Neurofibromatosis, type 1 (NF1). Also called: VON RECKLINGHAUSEN DISEASE; NEUROFIBROMATOSIS, TYPE I, SOMATIC; Peripheral type neurofibromatosis; Neurofibromatosis, type I. Identifiers: Orphanet 636, MedGen C0027831, MONDO:0018975, OMIM 162200. Disease mechanism: loss of function.
Diffuse midline glioma, H3 K27M-mutant. Identifiers: MedGen C4289688, MONDO:0957196.

Submissions (7):

Myriad Genetics, Inc.
Classification: Pathogenic for Neurofibromatosis, type 1. Last evaluated: 2026-01-22. Review status: criteria provided, single submitter. Criteria: Myriad Autosomal Dominant, Autosomal Recessive and X-Linked Classification Criteria (2023). Collection method: clinical testing. Allele origin: unknown.
Comment: This variant is considered pathogenic. This variant creates a frameshift predicted to result in premature protein truncation.

Labcorp Genetics (formerly Invitae), Labcorp
Classification: Pathogenic for Neurofibromatosis, type 1. Last evaluated: 2024-04-24. Review status: criteria provided, single submitter. Criteria: Invitae Variant Classification Sherloc (09022015). Collection method: clinical testing. Allele origin: germline.
Comment: This sequence change creates a premature translational stop signal (p.Pro1646Leufs*31) in the NF1 gene. It is expected to result in an absent or disrupted protein product. Loss-of-function variants in NF1 are known to be pathogenic (PMID: 10712197, 23913538). This variant is not present in population databases (gnomAD no frequency). This variant has not been reported in the literature in individuals affected with NF1-related conditions. ClinVar contains an entry for this variant (Variation ID: 523347). For these reasons, this variant has been classified as Pathogenic.

Institute for Genomic Medicine (IGM) Clinical Laboratory, Nationwide Children's Hospital
Classification: Tier I - Strong for Diffuse midline glioma, H3 K27M-mutant. Assertion type: diagnostic. Clinical significance: supports diagnosis. Last evaluated: 2022-12-15. Review status: criteria provided, single submitter. Criteria: AMP/ASCO/CAP Guidelines, 2017. Collection method: clinical testing. Allele origin: somatic. Affected: yes.
Comment: Variant has Tier I (strong) clinical significance as a diagnostic inclusion criterion in diffuse midline glioma, H3 K27M-mutant, based on the following evidence: 1) Documented in one or more cancer databases (e.g., St. Jude Pecan, COSMIC, CIViC, OncoKB). 2) Information in the literature supports potential biologic effect of variant. 3) Diagnostic for a specific tumor type/classification based on well-powered studies with expert-level consensus (Evidence Level B; PMIDs: 24705251, 28966033, 33433639, 34796414, 32862234, 34759345, 32582540, 35456430).

Genome-Nilou Lab
Classification: Likely pathogenic for Neurofibromatosis, type 1. Last evaluated: 2022-03-15. Review status: criteria provided, single submitter. Criteria: ACMG Guidelines, 2015. Collection method: clinical testing. Allele origin: germline. Affected: no.

CeGaT Center for Human Genetics Tuebingen
Classification: Pathogenic. Last evaluated: 2021-03-01. Review status: criteria provided, single submitter. Criteria: CeGaT Center For Human Genetics Tuebingen Variant Classification Criteria Version 2. Collection method: clinical testing. Allele origin: germline. Affected: yes. Observed: 1 variant allele.

Centre for Mendelian Genomics, University Medical Centre Ljubljana
Classification: Pathogenic for Cafe-au-lait spot. Last evaluated: 2017-01-01. Review status: criteria provided, single submitter. Criteria: ACMG Guidelines, 2015. Collection method: clinical testing. Allele origin: unknown. Affected: yes.

Center for Human Genetics, Inc
Classification: Likely pathogenic for Neurofibromatosis, type 1. Last evaluated: 2016-11-01. Review status: criteria provided, single submitter. Criteria: ACMG Guidelines, 2015. Collection method: clinical testing. Allele origin: germline. Affected: yes.

Literature cited by the submitters: PubMed 10712197 (cited by Labcorp Genetics (formerly Invitae), Labcorp); PubMed 23913538 (cited by Labcorp Genetics (formerly Invitae), Labcorp); PubMed 24705251 (cited by Institute for Genomic Medicine (IGM) Clinical Laboratory, Nationwide Children's Hospital); PubMed 28966033 (cited by Institute for Genomic Medicine (IGM) Clinical Laboratory, Nationwide Children's Hospital); PubMed 33433639 (cited by Institute for Genomic Medicine (IGM) Clinical Laboratory, Nationwide Children's Hospital); PubMed 34796414 (cited by Institute for Genomic Medicine (IGM) Clinical Laboratory, Nationwide Children's Hospital); PubMed 32862234 (cited by Institute for Genomic Medicine (IGM) Clinical Laboratory, Nationwide Children's Hospital); PubMed 34759345 (cited by Institute for Genomic Medicine (IGM) Clinical Laboratory, Nationwide Children's Hospital); PubMed 32582540 (cited by Institute for Genomic Medicine (IGM) Clinical Laboratory, Nationwide Children's Hospital); PubMed 35456430 (cited by Institute for Genomic Medicine (IGM) Clinical Laboratory, Nationwide Children's Hospital).

NM_001042492.3(NF1):c.4998del (p.Pro1667fs)

Gene: NF1 (neurofibromin 1; plus strand). Cytogenetic location: 17q11.2.
Variant type: Deletion.
Coding change: c.4998del on transcript NM_001042492.3 (MANE Select); coding-DNA position 4998, one base deleted (T; older notation c.4998delT).
Protein change: p.Pro1667fs; shifts the reading frame from proline 1667.
Molecular consequence: frameshift variant.
Genome position (GRCh38, 1-based): chr17:31,325,982, T deleted; the last of 5 consecutive T bases (chr17:31,325,978-31,325,982); deleting any one gives the same sequence. VCF-style (leftmost placement, unchanged base first): chr17-31325977-GT-G. GRCh37 (hg19) VCF-style: chr17-29652995-GT-G.
Other names: c.4935delT (NM_000267.3); c.4935delT, p.Pro1646Leufs (NM_000267.4); short protein forms P1646fs, P1667fs.
Identifiers: ClinVar variation 523347 (VCV000523347.41), dbSNP rs1135402867, ClinGen allele CA658798769.
Genomic context (GRCh38, chr17:31,325,977, plus strand): 5'-CTTACCCATACCGGGCCTAGCAATCGCTTTAAAACAGACTTTCTCTCTAAGTGGTTTGTT[GT>G]TTTTCCTGGCTTTGCTTACGACAACGTCTCCGCAGTCTATATCTATAACTGTAACTCCTG-3'